The following is an entry in ClinVar:

NM_004385.5(VCAN):c.6844A>G (p.Thr2282Ala)

Genes: VCAN (versican; plus strand), VCAN-AS1 (VCAN antisense RNA 1; minus strand). Cytogenetic location: 5q14.3.
Variant type: single nucleotide variant.
Coding change: c.6844A>G on transcript NM_004385.5 (MANE Select); coding-DNA position 6844, A replaced by G.
Protein change: p.Thr2282Ala; replaces threonine 2282 with alanine.
Molecular consequence: missense variant. On other transcripts: intron variant (2).
Genome position (GRCh38, 1-based): chr5:83,539,847, A>G. VCF-style: chr5-83539847-A-G. GRCh37 (hg19) VCF-style: chr5-82835666-A-G.
Other names: c.3883A>G, p.Thr1295Ala (NM_001164097.2); c.4004-5690A>G (NM_001164098.2); c.1043-5690A>G (NM_001126336.3); short protein forms T2282A, T1295A.
Identifiers: ClinVar variation 290838 (VCV000290838.9), dbSNP rs886044566, ClinGen allele CA10606917.

ClinVar aggregate classification (germline): Uncertain significance. Review status: criteria provided, multiple submitters, no conflicts (2 of 4 stars). 2 submissions from 2 submitters: Uncertain significance (2). Last evaluated 2022-06-08.

Submissions (2):

Labcorp Genetics (formerly Invitae), Labcorp
Classification: Uncertain significance. Last evaluated: 2022-06-08. Review status: criteria provided, single submitter. Criteria: Invitae Variant Classification Sherloc (09022015). Collection method: clinical testing. Allele origin: germline.
Comment: This variant is not present in population databases (gnomAD no frequency). In summary, the available evidence is currently insufficient to determine the role of this variant in disease. Therefore, it has been classified as a Variant of Uncertain Significance. Algorithms developed to predict the effect of missense changes on protein structure and function are either unavailable or do not agree on the potential impact of this missense change (SIFT: "Deleterious"; PolyPhen-2: "Benign"; Align-GVGD: "Class C55"). ClinVar contains an entry for this variant (Variation ID: 290838). This variant has not been reported in the literature in individuals affected with VCAN-related conditions. This sequence change replaces threonine, which is neutral and polar, with alanine, which is neutral and non-polar, at codon 2282 of the VCAN protein (p.Thr2282Ala).

Eurofins Ntd Llc (ga)
Classification: Uncertain significance. Last evaluated: 2016-09-15. Review status: criteria provided, single submitter. Criteria: EGL Classification Definitions 2015. Collection method: clinical testing. Allele origin: germline. Observed: 1 variant allele, 1 heterozygote.